The following is an entry in ClinVar:

ClinVar aggregate classification (germline): Uncertain significance (1 of 4 stars; one submission).

gnomAD v4.1: 3 of 1,206,984 alleles (0.00025%); highest among the groups gnomAD compares: Admixed American, 0.0022%; no homozygotes.

Submission:

GeneDx
Classification: Uncertain significance. Last evaluated: 2026-08-19. Review status: criteria provided, single submitter. Criteria: GeneDx Variant Classification Process June 2021. Collection method: clinical testing. Allele origin: germline.
Comment: In silico analysis supports that this missense variant has a deleterious effect on protein structure/function; Has not been previously published as pathogenic or benign to our knowledge

NM_153252.5(BRWD3):c.3556A>G (p.Thr1186Ala)

Gene: BRWD3 (bromodomain and WD repeat domain containing 3; minus strand). Cytogenetic location: Xq21.1.
Variant type: single nucleotide variant.
Coding change: c.3556A>G on transcript NM_153252.5 (MANE Select); coding-DNA position 3556, A replaced by G.
Protein change: p.Thr1186Ala; replaces threonine 1186 with alanine.
Molecular consequence: missense variant.
Genome position (GRCh38, 1-based): chrX:80,691,099, T>C on the plus strand (A>G on the coding strand, the complement: BRWD3 is on the minus strand). VCF-style: chrX-80691099-T-C. GRCh37 (hg19) VCF-style: chrX-79946598-T-C.
Other names: short protein forms T1186A.
Identifiers: ClinVar variation 3383876 (VCV003383876.2).